The following is an entry in ClinVar:

ClinVar aggregate classification (germline): Benign. Review status: reviewed by expert panel (3 of 4 stars). 25 submissions from 24 submitters: Benign (1). 24 of the submissions do not count toward it. Last evaluated 2023-08-10.

Conditions:
CDH1-related diffuse gastric and lobular breast cancer syndrome. Also called: CDH1-related diffuse gastric and lobular breast cancer. Identifiers: MedGen CN311521, MONDO:0100488.
Hereditary cancer-predisposing syndrome. Also called: Neoplastic Syndromes, Hereditary; Tumor predisposition; Hereditary neoplastic syndrome; Hereditary Cancer Syndrome. Identifiers: Orphanet 140162, MedGen C0027672, MeSH D009386, MONDO:0015356.
Prostate cancer. Also called: Malignant tumor of prostate. Identifiers: Orphanet 1331, MedGen C0376358, MONDO:0008315, HP:0012125.
Hereditary diffuse gastric adenocarcinoma (HDGC). Also called: DIFFUSE GASTRIC AND LOBULAR BREAST CANCER SYNDROME. Identifiers: Orphanet 26106, MedGen C1708349, MONDO:0007648, OMIM 137215.
Malignant tumor of breast. Also called: Malignant breast neoplasm; Cancer breast. Identifiers: MedGen C0006142, MONDO:0007254. Disease mechanism: loss of function.

Allele frequency attached by ClinVar (database versions not stated): ESP Exome Variant Server 0.00300; gnomAD exomes 0.00372; ExAC 0.00392; gnomAD 0.00236; TOPMed 0.00250; 1000 Genomes Project 0.00260; 1000 Genomes Project 30x 0.00297.
gnomAD v4.1: 5,853 of 1,614,138 alleles (0.36%); highest among the groups gnomAD compares: Middle Eastern, 1.1%; 28 homozygotes.

Submissions (25):

Clingen Gastric Cancer Variant Curation Expert Panel
Classification: Benign for CDH1-related diffuse gastric and lobular breast cancer syndrome. Last evaluated: 2023-08-10. Review status: reviewed by expert panel. Criteria: ClinGen CDH1 ACMG Specifications V3.1. Collection method: curation. Allele origin: germline. Inheritance: Autosomal dominant inheritance.
Comment: The c.345G>A variant has an allele frequency of 0.007677 (0.77%, 235/30,612 alleles, 4 homozygotes) in the South Asian subpopulation of the gnomAD cohort (BA1, BP2). Therefore, this variant meets criteria to be classified as benign. ACMG/AMP criteria applied, as specified by the CDH1 Variant Curation Expert Panel (Variant Interpretation Guidelines Version 3.1): BA1, BP2.

CeGaT Center for Human Genetics Tuebingen
Classification: Benign. Last evaluated: 2026-09-01. Review status: criteria provided, single submitter. Criteria: CeGaT Center For Human Genetics Tuebingen Variant Classification Criteria Version 2. Collection method: clinical testing. Allele origin: germline. Affected: yes. Observed: 51 variant alleles. Not counted in ClinVar's aggregate classification.
Comment: CDH1: BP4, BP7, BS1, BS2

Labcorp Genetics (formerly Invitae), Labcorp
Classification: Benign for Hereditary diffuse gastric adenocarcinoma. Last evaluated: 2026-02-04. Review status: criteria provided, single submitter. Criteria: Invitae Variant Classification Sherloc (09022015). Collection method: clinical testing. Allele origin: germline. Not counted in ClinVar's aggregate classification.

ARUP Laboratories, Molecular Genetics and Genomics, ARUP Laboratories
Classification: Benign. Last evaluated: 2025-07-03. Review status: criteria provided, single submitter. Criteria: ARUP Molecular Germline Variant Investigation Process 2024. Collection method: clinical testing. Allele origin: germline. Not counted in ClinVar's aggregate classification.

Center for Genomic Medicine, Rigshospitalet, Copenhagen University Hospital
Classification: Benign. Last evaluated: 2025-03-04. Review status: criteria provided, single submitter. Criteria: ACMG Guidelines, 2015. Collection method: clinical testing. Allele origin: germline. Not counted in ClinVar's aggregate classification.

KCCC/NGS Laboratory, Kuwait Cancer Control Center
Classification: Benign for Hereditary diffuse gastric adenocarcinoma. Last evaluated: 2025-02-01. Review status: criteria provided, single submitter. Criteria: ACMG Guidelines, 2015. Collection method: clinical testing. Allele origin: germline. Affected: no. Not counted in ClinVar's aggregate classification.

Blueprint Genetics
Classification: Likely benign. Last evaluated: 2024-11-22. Review status: criteria provided, single submitter. Criteria: ACMG Guidelines, 2015. Collection method: clinical testing. Allele origin: germline. Not counted in ClinVar's aggregate classification.

Myriad Genetics, Inc.
Classification: Benign for Hereditary diffuse gastric adenocarcinoma. Last evaluated: 2024-09-12. Review status: criteria provided, single submitter. Criteria: Myriad Autosomal Dominant, Autosomal Recessive and X-Linked Classification Criteria (2023). Collection method: clinical testing. Allele origin: unknown. Not counted in ClinVar's aggregate classification.
Comment: This variant is considered benign. This variant is a silent/synonymous amino acid change and it is not expected to impact splicing.

KCCC/NGS Laboratory, Kuwait Cancer Control Center
Classification: Benign for Familial prostate cancer. Last evaluated: 2023-07-07. Review status: criteria provided, single submitter. Criteria: ACMG Guidelines, 2015. Collection method: clinical testing. Allele origin: germline. Affected: yes. Not counted in ClinVar's aggregate classification.

European Reference Network on Genetic Tumour Risk Syndromes (ERN-GENTURIS), i3s - Instituto de Investigação e Inovação em Saúde, University of Porto
Classification: Benign for Hereditary diffuse gastric adenocarcinoma. Last evaluated: 2022-08-01. Review status: criteria provided, single submitter. Criteria: Lee et al. (Hum Mutat. 2018). Collection method: clinical testing. Allele origin: germline. Inheritance: Autosomal dominant inheritance. Affected: no. Study: ERN GENTURIS. Not counted in ClinVar's aggregate classification.
Comment: BA1; BP2_Strong (PMID: 30311375)

Genetic Services Laboratory, University of Chicago
Classification: Benign. Last evaluated: 2021-08-09. Review status: criteria provided, single submitter. Criteria: ACMG Guidelines, 2015. Collection method: clinical testing. Allele origin: germline. Affected: no. Not counted in ClinVar's aggregate classification.

Illumina Laboratory Services, Illumina
Classification: Benign for Hereditary diffuse gastric adenocarcinoma. Last evaluated: 2018-01-13. Review status: criteria provided, single submitter. Criteria: ICSL Variant Classification Criteria 13 December 2019. Collection method: clinical testing. Allele origin: germline. Not counted in ClinVar's aggregate classification.
Comment: This variant was observed in the ICSL laboratory as part of a predisposition screen in an ostensibly healthy population. It had not been previously curated by ICSL or reported in the Human Gene Mutation Database (HGMD: prior to June 1st, 2018), and was therefore a candidate for classification through an automated scoring system. Utilizing variant allele frequency, disease prevalence and penetrance estimates, and inheritance mode, an automated score was calculated to assess if this variant is too frequent to cause the disease. Based on the score and internal cut-off values, a variant classified as benign is not then subjected to further curation. The score for this variant resulted in a classification of benign for this disease.

Eurofins Ntd Llc (ga)
Classification: Benign. Last evaluated: 2017-01-19. Review status: criteria provided, single submitter. Criteria: EGL Classification Definitions 2015. Collection method: clinical testing. Allele origin: germline. Observed: 1 variant allele, 1 heterozygote. Not counted in ClinVar's aggregate classification.

Color Diagnostics, LLC DBA Color Health
Classification: Benign for Hereditary cancer-predisposing syndrome. Last evaluated: 2015-04-13. Review status: criteria provided, single submitter. Criteria: ACMG Guidelines, 2015. Collection method: clinical testing. Allele origin: germline. Not counted in ClinVar's aggregate classification.

Ambry Genetics
Classification: Benign for Hereditary cancer-predisposing syndrome. Last evaluated: 2014-06-23. Review status: criteria provided, single submitter. Criteria: Ambry Variant Classification Scheme 2023. Collection method: clinical testing. Allele origin: germline. Not counted in ClinVar's aggregate classification.

GeneDx
Classification: Benign. Last evaluated: 2013-11-08. Review status: criteria provided, single submitter. Criteria: GeneDx Variant Classification (06012015). Collection method: clinical testing. Allele origin: germline. Affected: yes. Not counted in ClinVar's aggregate classification.
Comment: This variant is considered likely benign or benign based on one or more of the following criteria: it is a conservative change, it occurs at a poorly conserved position in the protein, it is predicted to be benign by multiple in silico algorithms, and/or has population frequency not consistent with disease.

Breakthrough Genomics
Classification: Benign. Review status: criteria provided, single submitter. Criteria: ACMG Guidelines, 2015. Collection method: not provided. Allele origin: germline. Inheritance: Autosomal dominant inheritance. Affected: yes. Not counted in ClinVar's aggregate classification.

PreventionGenetics, part of Exact Sciences
Classification: Benign. Review status: criteria provided, single submitter. Criteria: ACMG Guidelines, 2015. Collection method: clinical testing. Allele origin: germline. Not counted in ClinVar's aggregate classification.

True Health Diagnostics
Classification: Likely benign for Hereditary cancer-predisposing syndrome. Last evaluated: 2018-06-18. Review status: no assertion criteria provided. Collection method: clinical testing. Allele origin: germline. Not counted in ClinVar's aggregate classification.

Clinical Genetics, Academic Medical Center
Classification: Benign. Review status: no assertion criteria provided. Collection method: clinical testing. Allele origin: germline. Affected: yes. Study: VKGL Data-share Consensus. Not counted in ClinVar's aggregate classification.

Department of Pathology and Laboratory Medicine, Sinai Health System
Classification: Likely benign for Malignant tumor of breast. Review status: no assertion criteria provided. Collection method: clinical testing. Allele origin: unknown. Affected: yes. Study: The Canadian Open Genetics Repository (COGR). Not counted in ClinVar's aggregate classification.
Comment: The CDH1 p.Thr115Thr variant was identified in 6 of 380 proband chromosomes (frequency: 0.016) from individuals or families with gastric cancer, other cancer types and normal individuals (Garziera 2013) and was present in 1 of 40 control chromosomes (frequency: 0.025) from healthy individuals (Berx 1997). The variant was also identified in dbSNP (ID: rs1801023) as â€šÃ„ÃºWith other alleleâ€šÃ„Ã¹, ClinVar (6x, as benign by Invitae, GeneDx, Ambry Genetics, Prevention Genetics, Color Genomics, as likely benign by Illumina), Clinvitae (3x as benign ), Zhejiang Colon Cancer Database. The variant was not identified in Cosmic, MutDB, databases. The variant was identified in control databases in 991 of 276784 (5 homozygous) chromosomes at a frequency of 0.0036 in the following populations: African in 12 of 24020 chromosomes (freq. 0.0005), other in 26 of 6460 chromosomes (freq. 0.004), Latino in 72 of 34410 chromosomes (freq. 0.002), European in 518 of 126334 chromosomes (freq. 0.0041), Ashkenazi Jewish in 109 of 10130 chromosomes (freq. 0.01), East Asian in 3 of 18868 chromosomes (freq. 0.00016), Finnish in 15 of 25784 chromosomes (freq. 0.0006), and South Asian in 236 of 30778 chromosomes (freq. 0.0076),.increasing the likelihood this could be a low frequency benign variant (Genome Aggregation Consortium Feb 27, 2017). The p.Thr115Thr variant is not expected to have clinical significance because it does not result in a change of amino acid and is not located in a known consensus splice site. In addition, in silico or computational prediction software programs (SpliceSiteFinder, MaxEntScan, NNSPLICE, GeneSplicer, HumanSpliceFinder) do not predict a difference in splicing. In summary, based on the above information the clinical significance of this variant cannot be determined with certainty at this time although we would lean towards a more benign role for this variant. This variant is classified as likely benign.

Genome Diagnostics Laboratory, Amsterdam University Medical Center
Classification: Benign. Review status: no assertion criteria provided. Collection method: clinical testing. Allele origin: germline. Affected: yes. Study: VKGL Data-share Consensus. Not counted in ClinVar's aggregate classification.

Genome Diagnostics Laboratory, University Medical Center Utrecht
Classification: Benign. Review status: no assertion criteria provided. Collection method: clinical testing. Allele origin: germline. Affected: yes. Study: VKGL Data-share Consensus. Not counted in ClinVar's aggregate classification.

Joint Genome Diagnostic Labs from Nijmegen and Maastricht, Radboudumc and MUMC+
Classification: Benign. Review status: no assertion criteria provided. Collection method: clinical testing. Allele origin: germline. Affected: yes. Study: VKGL Data-share Consensus. Not counted in ClinVar's aggregate classification.

Mayo Clinic Laboratories, Mayo Clinic
Classification: Likely benign. Review status: no assertion criteria provided. Collection method: clinical testing. Allele origin: unknown. Not counted in ClinVar's aggregate classification.

Literature cited by the submitters: PubMed 36436516 (cited by European Reference Network on Genetic Tumour Risk Syndromes (ERN-GENTURIS), i3s - Instituto de Investigação e Inovação em Saúde, University of Porto).

NM_004360.5(CDH1):c.345G>A (p.Thr115=)

Gene: CDH1 (cadherin 1; plus strand). Cytogenetic location: 16q22.1.
Variant type: single nucleotide variant.
Coding change: c.345G>A on transcript NM_004360.5 (MANE Select); coding-DNA position 345, G replaced by A.
Protein change: p.Thr115=; no amino-acid change (threonine 115 retained).
Molecular consequence: synonymous variant. On other transcripts: 5 prime UTR variant (2).
Genome position (GRCh38, 1-based): chr16:68,801,851, G>A. VCF-style: chr16-68801851-G-A. GRCh37 (hg19) VCF-style: chr16-68835754-G-A.
Other names: p.T115T:ACG>ACA; c.345G>A (LRG_301t1); c.345G>A, p.Thr115= (NM_001317184.2); c.-1271G>A (NM_001317185.2); c.-1475G>A (NM_001317186.2).
Identifiers: ClinVar variation 132720 (VCV000132720.86), dbSNP rs1801023, ClinGen allele CA293902.